The following is an entry in ClinVar:

ClinVar aggregate classification (germline): Likely benign (0 of 4 stars; one submission).

Conditions:
ACACB-related disorder. Also called: ACACB-related condition.

Submission:

PreventionGenetics, part of Exact Sciences
Classification: Likely benign for ACACB-related condition. Last evaluated: 2019-05-28. Review status: no assertion criteria provided. Collection method: clinical testing. Allele origin: germline.
Comment: This variant is classified as likely benign based on ACMG/AMP sequence variant interpretation guidelines (Richards et al. 2015 PMID: 25741868, with internal and published modifications).

NM_001093.4(ACACB):c.6903T>C (p.His2301=)

Genes: ACACB (acetyl-CoA carboxylase beta; plus strand), LOC130008714 (ATAC-STARR-seq lymphoblastoid active region 6984; plus strand). Cytogenetic location: 12q24.11.
Variant type: single nucleotide variant.
Coding change: c.6903T>C on transcript NM_001093.4 (MANE Select); coding-DNA position 6903, T replaced by C.
Protein change: p.His2301=; no amino-acid change (histidine 2301 retained).
Molecular consequence: synonymous variant.
Genome position (GRCh38, 1-based): chr12:109,264,347, T>C. VCF-style: chr12-109264347-T-C. GRCh37 (hg19) VCF-style: chr12-109702152-T-C.
Other names: c.6903T>C, p.His2301= (NM_001412734.1, NM_001412735.1); c.6297T>C, p.His2099= (NM_001412736.1); c.6276T>C, p.His2092= (NM_001412737.1); c.6108T>C, p.His2036= (NM_001412738.1).
Identifiers: ClinVar variation 3039357 (VCV003039357.2), dbSNP rs2136864870, ClinGen allele CA481705174.